The following is an entry in ClinVar:

NM_001385875.1(ZFYVE27):c.1089+10T>A

Gene: ZFYVE27 (zinc finger FYVE-type containing 27; plus strand). Cytogenetic location: 10q24.2.
Variant type: single nucleotide variant.
Coding change: c.1089+10T>A on transcript NM_001385875.1 (MANE Select); 10 bases into the intron after coding-DNA position 1089, T replaced by A.
Molecular consequence: intron variant.
Genome position (GRCh38, 1-based): chr10:97,757,321, T>A. VCF-style: chr10-97757321-T-A. GRCh37 (hg19) VCF-style: chr10-99517078-T-A.
Other names: c.1122+10T>A (NM_001385876.1); c.1104+10T>A (NM_001385871.1, NM_001002261.4); c.1083+10T>A (NM_001385879.1, NM_001385878.1, NM_001385882.1); c.1089+10T>A (NM_144588.7); c.1068+10T>A (NM_001002262.4, NM_001385880.1, NM_001385881.1 and 2 more transcripts); c.846+10T>A (NM_001385903.1, NM_001385902.1, NM_001385904.1 and 1 more transcripts); c.852+10T>A (NM_001385899.1, NM_001385900.1); c.831+10T>A (NM_001385908.1, NM_001385905.1, NM_001385906.1); and 14 more.
Identifiers: ClinVar variation 2637540 (VCV002637540.1), dbSNP rs1257260395, ClinGen allele CA595424437.

ClinVar aggregate classification (germline): Likely benign (1 of 4 stars; one submission).

Allele frequency attached by ClinVar (database versions not stated): gnomAD 0.00001.
gnomAD v4.1: 1 of 1,613,942 alleles (0.000062%); highest among the groups gnomAD compares: Admixed American, 0.0017%; no homozygotes.

Submission:

Women's Health and Genetics/Laboratory Corporation of America, LabCorp
Classification: Likely benign. Last evaluated: 2023-10-30. Review status: criteria provided, single submitter. Criteria: LabCorp Variant Classification Summary - May 2015. Collection method: clinical testing. Allele origin: germline.
Comment: Variant summary: ZFYVE27 c.1104+10T>A alters a non-conserved nucleotide located at a position not widely known to affect splicing. Consensus agreement among computation tools predict no significant impact on normal splicing. However, these predictions have yet to be confirmed by functional studies. The variant was absent in 251116 control chromosomes. The available data on variant occurrences in the general population are insufficient to allow any conclusion about variant significance. To our knowledge, no occurrence of c.1104+10T>A in individuals affected with Hereditary Spastic Paraplegia 33 and no experimental evidence demonstrating its impact on protein function have been reported. Furthermore, the association of this gene with HSP 33 is disuputed based on limited evidence (Clingen). No submitters have cited clinical-significance assessments for this variant to ClinVar after 2014. Based on the evidence outlined above, the variant was classified as likely benign.